The following is an entry in ClinVar:

NM_002887.4(RARS1):c.3G>T (p.Met1Ile)

Gene: RARS1 (arginyl-tRNA synthetase 1; plus strand). Cytogenetic location: 5q34.
Variant type: single nucleotide variant.
Coding change: c.3G>T on transcript NM_002887.4 (MANE Select); coding-DNA position 3, G replaced by T.
Protein change: p.Met1Ile; changes the start codon (methionine 1).
Molecular consequence: missense variant, initiator codon variant.
Genome position (GRCh38, 1-based): chr5:168,486,501, G>T. VCF-style: chr5-168486501-G-T. GRCh37 (hg19) VCF-style: chr5-167913506-G-T.
Other names: short protein forms M1I.
Identifiers: ClinVar variation 1218728 (VCV001218728.6), dbSNP rs1312438512, ClinGen allele CA362077073.

ClinVar aggregate classification (germline): Pathogenic (1 of 4 stars; one submission).

Allele frequency attached by ClinVar (database versions not stated): gnomAD 0.00003 and 0.00004.

Submission:

GeneDx
Classification: Pathogenic. Last evaluated: 2022-04-12. Review status: criteria provided, single submitter. Criteria: GeneDx Variant Classification Process June 2021. Collection method: clinical testing. Allele origin: germline. Affected: yes.
Comment: Initiation codon variant in a gene for which loss-of-function is a known mechanism of disease; Not observed at significant frequency in large population cohorts (gnomAD); This variant is associated with the following publications: (PMID: 31814314)